The following is an entry in ClinVar:

NM_000160.5(GCGR):c.971G>A (p.Arg324His)

Gene: GCGR (glucagon receptor; plus strand). Cytogenetic location: 17q25.3.
Variant type: single nucleotide variant.
Coding change: c.971G>A on transcript NM_000160.5 (MANE Select); coding-DNA position 971, G replaced by A.
Protein change: p.Arg324His; replaces arginine 324 with histidine.
Molecular consequence: missense variant.
Genome position (GRCh38, 1-based): chr17:81,812,599, G>A. VCF-style: chr17-81812599-G-A. GRCh37 (hg19) VCF-style: chr17-79770475-G-A.
Other names: short protein forms R324H.
Identifiers: ClinVar variation 2994996 (VCV002994996.3), dbSNP rs1172127702, ClinGen allele CA401503091.

ClinVar aggregate classification (germline): Uncertain significance (1 of 4 stars; one submission).

Allele frequency attached by ClinVar (database versions not stated): gnomAD 0.00002; TOPMed 0.00002.
gnomAD v4.1: 39 of 1,536,342 alleles (0.0025%); highest among the groups gnomAD compares: East Asian, 0.034%; no homozygotes.

Submission:

Labcorp Genetics (formerly Invitae), Labcorp
Classification: Uncertain significance. Last evaluated: 2023-09-27. Review status: criteria provided, single submitter. Criteria: Invitae Variant Classification Sherloc (09022015). Collection method: clinical testing. Allele origin: germline.
Comment: In summary, the available evidence is currently insufficient to determine the role of this variant in disease. Therefore, it has been classified as a Variant of Uncertain Significance. Algorithms developed to predict the effect of missense changes on protein structure and function output the following: SIFT: "Not Available"; PolyPhen-2: "Benign"; Align-GVGD: "Not Available". The histidine amino acid residue is found in multiple mammalian species, which suggests that this missense change does not adversely affect protein function. This variant has not been reported in the literature in individuals affected with GCGR-related conditions. This variant is present in population databases (no rsID available, gnomAD 0.009%). This sequence change replaces arginine, which is basic and polar, with histidine, which is basic and polar, at codon 324 of the GCGR protein (p.Arg324His).